The following is an entry in ClinVar:

NM_001972.4(ELANE):c.74C>A (p.Ala25Glu)

Gene: ELANE (elastase, neutrophil expressed; plus strand). Cytogenetic location: 19p13.3.
Variant type: single nucleotide variant.
Coding change: c.74C>A on transcript NM_001972.4 (MANE Select); coding-DNA position 74, C replaced by A.
Protein change: p.Ala25Glu; replaces alanine 25 with glutamic acid.
Molecular consequence: missense variant.
Genome position (GRCh38, 1-based): chr19:852,882, C>A. VCF-style: chr19-852882-C-A. GRCh37 (hg19) VCF-style: chr19-852882-C-A.
Other names: c.74C>A (NM_001972.2); short protein forms A25E.
Identifiers: ClinVar variation 1397594 (VCV001397594.9), dbSNP rs1396230082, ClinGen allele CA402914294.

ClinVar aggregate classification (germline): Uncertain significance. Review status: criteria provided, multiple submitters, no conflicts (2 of 4 stars). 2 submissions from 2 submitters: Uncertain significance (2). Last evaluated 2026-05-14.

Conditions:
Cyclical neutropenia. Also called: Cyclic hematopoiesis; Cyclic Neutropenia. Identifiers: Orphanet 2686, MedGen C0221023, MONDO:0008090, OMIM 162800, HP:0040289. Disease mechanism: loss of function.
Neutropenia, severe congenital, 1, autosomal dominant. Identifiers: MedGen C1859966, MONDO:0042490, OMIM 202700.
Inborn genetic diseases. Identifiers: MedGen C0950123, MeSH D030342.

gnomAD v4.1: 2 of 1,595,564 alleles (0.00013%); highest among the groups gnomAD compares: Admixed American, 0.0017%; no homozygotes.

Submissions (2):

Ambry Genetics
Classification: Uncertain significance for Inborn genetic diseases. Last evaluated: 2026-05-14. Review status: criteria provided, single submitter. Criteria: Ambry Variant Classification Scheme 2023. Collection method: clinical testing. Allele origin: germline.
Comment: The p.A25E variant (also known as c.74C>A), located in coding exon 2 of the ELANE gene, results from a C to A substitution at nucleotide position 74. The alanine at codon 25 is replaced by glutamic acid, an amino acid with dissimilar properties. This amino acid position is conserved. In addition, the in silico prediction for this alteration is inconclusive. Based on the available evidence, the clinical significance of this variant remains unclear.

Labcorp Genetics (formerly Invitae), Labcorp
Classification: Uncertain significance for Neutropenia, severe congenital, 1, autosomal dominant; Cyclical neutropenia. Last evaluated: 2025-09-02. Review status: criteria provided, single submitter. Criteria: Invitae Variant Classification Sherloc (09022015). Collection method: clinical testing. Allele origin: germline.
Comment: This sequence change replaces alanine, which is neutral and non-polar, with glutamic acid, which is acidic and polar, at codon 25 of the ELANE protein (p.Ala25Glu). The frequency data for this variant in the population databases is considered unreliable, as metrics indicate poor data quality at this position in the gnomAD database. This variant has not been reported in the literature in individuals affected with ELANE-related conditions. ClinVar contains an entry for this variant (Variation ID: 1397594). Invitae Evidence Modeling of protein sequence and biophysical properties (such as structural, functional, and spatial information, amino acid conservation, physicochemical variation, residue mobility, and thermodynamic stability) has been performed for this missense variant. However, the output from this modeling did not meet the statistical confidence thresholds required to predict the impact of this variant on ELANE protein function. In summary, the available evidence is currently insufficient to determine the role of this variant in disease. Therefore, it has been classified as a Variant of Uncertain Significance.